The following is an entry in ClinVar:

ClinVar aggregate classification (germline): Conflicting classifications of pathogenicity. Review status: criteria provided, conflicting classifications (1 of 4 stars). 11 submissions from 11 submitters: Uncertain significance (6); Likely benign (5). Last evaluated 2026-01-05.

Conditions:
MUTYH-related disorder. Also called: MUTYH-related disorders; MUTYH-related condition.
Hereditary cancer-predisposing syndrome. Also called: Neoplastic Syndromes, Hereditary; Tumor predisposition; Hereditary Cancer Syndrome; Hereditary neoplastic syndrome. Identifiers: Orphanet 140162, MedGen C0027672, MeSH D009386, MONDO:0015356.
Familial adenomatous polyposis 2. Also called: FAP type 2; MYH-associated polyposis; Adenomas, multiple colorectal; MUTYH-associated polyposis; MUTYH Polyposis; MUTYH-related attenuated familial adenomatous polyposis. Identifiers: Orphanet 220460, Orphanet 247798, MedGen C3272841, MONDO:0012041, OMIM 608456.

Allele frequency attached by ClinVar (database versions not stated): gnomAD exomes 0.00001 and 0.00002; ExAC 0.00002; gnomAD 0.00002 and 0.00003; 1000 Genomes Project 0.00020.

Submissions (11):

Labcorp Genetics (formerly Invitae), Labcorp
Classification: Uncertain significance for Familial adenomatous polyposis 2. Last evaluated: 2026-01-05. Review status: criteria provided, single submitter. Criteria: Invitae Variant Classification Sherloc (09022015). Collection method: clinical testing. Allele origin: germline.
Comment: This sequence change replaces cysteine, which is neutral and slightly polar, with tyrosine, which is neutral and polar, at codon 54 of the MUTYH protein (p.Cys54Tyr). This variant is present in population databases (rs560905645, gnomAD 0.009%). This variant has not been reported in the literature in individuals affected with MUTYH-related conditions. ClinVar contains an entry for this variant (Variation ID: 219610). An algorithm developed to predict the effect of missense changes on protein structure and function outputs the following: PolyPhen-2: "Benign". The tyrosine amino acid residue is found in multiple mammalian species, which suggests that this missense change does not adversely affect protein function. In summary, the available evidence is currently insufficient to determine the role of this variant in disease. Therefore, it has been classified as a Variant of Uncertain Significance.

GeneDx
Classification: Uncertain significance. Last evaluated: 2025-09-08. Review status: criteria provided, single submitter. Criteria: GeneDx Variant Classification Process June 2021. Collection method: clinical testing. Allele origin: germline. Affected: yes.
Comment: In silico analysis suggests that this missense variant does not alter protein structure/function; Not observed at significant frequency in large population cohorts (gnomAD); Has not been previously published as pathogenic or benign to our knowledge

PreventionGenetics, part of Exact Sciences
Classification: Uncertain significance for MUTYH-related condition. Last evaluated: 2025-06-20. Review status: criteria provided, single submitter. Criteria: ACMG Guidelines, 2015. Collection method: clinical testing. Allele origin: germline.
Comment: The MUTYH c.161G>A variant is predicted to result in the amino acid substitution p.Cys54Tyr.  This variant is also known as c.116-36G>A (Intronic) on an alternate transcript NM_001048172. To our knowledge, this variant has not been reported in the literature. This variant is reported in 0.0087% of alleles in individuals of Latino descent in gnomAD and has conflicting interpretations regarding its pathogenicity in ClinVar, ranging from uncertain to likely benign. At this time, the clinical significance of this variant is uncertain due to the absence of conclusive functional and genetic evidence.

Color Diagnostics, LLC DBA Color Health
Classification: Likely benign for Hereditary cancer-predisposing syndrome. Last evaluated: 2024-09-19. Review status: criteria provided, single submitter. Criteria: ACMG Guidelines, 2015. Collection method: clinical testing. Allele origin: germline.

Quest Diagnostics Nichols Institute San Juan Capistrano
Classification: Uncertain significance. Last evaluated: 2024-02-01. Review status: criteria provided, single submitter. Criteria: Quest Diagnostics criteria. Collection method: clinical testing. Allele origin: unknown.
Comment: The MUTYH c.161G>A (p.Cys54Tyr) variant has not been reported in individuals with MUTYH-related conditions in the published literature. The frequency of this variant in the general population, 0.000087 (3/34426 chromosomes (Genome Aggregation Database)), is uninformative in the assessment of its pathogenicity. Analysis of this variant using bioinformatics tools for the prediction of the effect of amino acid changes on protein structure and function yielded predictions that this variant is benign. Based on the available information, we are unable to determine the clinical significance of this variant.

All of Us Research Program, National Institutes of Health
Classification: Likely benign for Familial adenomatous polyposis 2. Last evaluated: 2023-12-01. Review status: criteria provided, single submitter. Criteria: ACMG Guidelines, 2015. Collection method: clinical testing. Allele origin: germline. Inheritance: Autosomal recessive inheritance. Observed: 5 variant alleles, 5 heterozygotes.
Comment: This study involves interpretation of variants in research participants for the purpose of population health screening. Participant phenotype was not available at the time of variant classification. Additional details can be found in publication PMID: 35346344, PMCID: PMC8962531

Blueprint Genetics
Classification: Likely benign. Last evaluated: 2022-11-22. Review status: criteria provided, single submitter. Criteria: ACMG Guidelines, 2015. Collection method: clinical testing. Allele origin: germline.

Sema4
Classification: Uncertain significance for Hereditary cancer-predisposing syndrome. Last evaluated: 2021-05-20. Review status: criteria provided, single submitter. Criteria: Sema4 Curation Guidelines. Collection method: curation. Allele origin: germline.
Comment: The MUTYH c.161G>A (p.C54Y) variant has not been reported in the literature to our knowledge. It was observed in 3/34426 chromosomes of the Latino subpopulation in the large and broad cohorts of the Genome Aggregation Database (PMID: 32461654). The variant has been reported in ClinVar (Variation ID: 219610). In silico tools suggest the impact of the variant on protein function is benign, though these predictions have not been confirmed by functional studies. The evidence is insufficient to meet ACMG/AMP criteria for classifying the variant as benign or pathogenic. Thus, the clinical significance of this variant is currently uncertain.

Mendelics
Classification: Likely benign for Familial adenomatous polyposis 2. Last evaluated: 2019-05-28. Review status: criteria provided, single submitter. Criteria: Mendelics Assertion Criteria 2017. Collection method: clinical testing. Allele origin: unknown.

Ambry Genetics
Classification: Likely benign for Hereditary cancer-predisposing syndrome. Last evaluated: 2018-12-10. Review status: criteria provided, single submitter. Criteria: Ambry Variant Classification Scheme 2023. Collection method: clinical testing. Allele origin: germline.

Women's Health and Genetics/Laboratory Corporation of America, LabCorp
Classification: Uncertain significance. Last evaluated: 2018-09-14. Review status: criteria provided, single submitter. Criteria: LabCorp Variant Classification Summary - May 2015. Collection method: clinical testing. Allele origin: germline.
Comment: Variant summary: MUTYH c.161G>A (p.Cys54Tyr) results in a non-conservative amino acid change in the encoded protein sequence. Four of five in-silico tools predict a benign effect of the variant on protein function. The variant allele was found at a frequency of 1.2e-05 in 242220 control chromosomes (gnomAD). The available data on variant occurrences in the general population are insufficient to allow any conclusion about variant significance. To our knowledge, no occurrence of c.161G>A in individuals affected with MUTYH-associated Polyposis and no experimental evidence demonstrating its impact on protein function have been reported. Two ClinVar submissions from clinical diagnostic laboratories (evaluation after 2014) cite the variant once as uncertain significance and once as likely benign. Based on the evidence outlined above, the variant was classified as uncertain significance.

NM_001128425.2(MUTYH):c.161G>A (p.Cys54Tyr)

Gene: MUTYH (mutY DNA glycosylase; minus strand). Cytogenetic location: 1p34.1.
Variant type: single nucleotide variant.
Coding change: c.161G>A on transcript NM_001128425.2 (MANE Plus Clinical); coding-DNA position 161, G replaced by A.
Protein change: p.Cys54Tyr; replaces cysteine 54 with tyrosine.
Molecular consequence: missense variant. On other transcripts: intron variant (12).
Genome position (GRCh38, 1-based): chr1:45,333,600, C>T on the plus strand (G>A on the coding strand, the complement: MUTYH is on the minus strand). VCF-style: chr1-45333600-C-T. GRCh37 (hg19) VCF-style: chr1-45799272-C-T.
Other names: c.-92-103G>A (NM_001350651.2); c.-97-103G>A (NM_001293192.2, NM_001293196.2); c.-156-39G>A (NM_001350650.2); c.116-39G>A (NM_001048171.2, NM_001048173.2, NM_001048174.2 and 1 more transcripts); c.158-36G>A (NM_001293190.2); c.158-6G>A (NM_012222.3); c.116-36G>A (NM_001048172.2); c.116-6G>A (NM_001293191.2); short protein forms C54Y.
Identifiers: ClinVar variation 219610 (VCV000219610.33), dbSNP rs560905645, ClinGen allele CA055629.
Genomic context (GRCh38, chr1:45,333,600, plus strand): 5'-TCTTCCGGCTGCCTGGCCAGGCCTGCTGGGGCCCCAGGACACTCAGCAATCATCCCTGCA[C>T]AGGCTGTGCATCAGGGTCTTGGGACACAGCAGCCTGTGGCAGTATGCTCCCACTTAGGGC-3'
Protein context (NP_001121897.1, residues 44-64): SQAKPSACDA[Cys54Tyr]AGMIAECPGA